The following is an entry in ClinVar:

ClinVar aggregate classification (germline): Conflicting classifications of pathogenicity. Review status: criteria provided, conflicting classifications (1 of 4 stars). 6 submissions from 6 submitters: Uncertain significance (1); Benign (1); Likely benign (3). 1 of the submissions does not count toward it. Last evaluated 2025-09-08.

Conditions:
ESPN-related disorder. Also called: ESPN-related condition.

Allele frequency attached by ClinVar (database versions not stated): gnomAD 0.00005; TOPMed 0.00024; ExAC 0.00050; gnomAD exomes 0.00064.
gnomAD v4.1: 184 of 1,612,814 alleles (0.011%); highest among the groups gnomAD compares: Admixed American, 0.3%; 2 homozygotes.

Submissions (6):

Labcorp Genetics (formerly Invitae), Labcorp
Classification: Likely benign. Last evaluated: 2025-09-08. Review status: criteria provided, single submitter. Criteria: Invitae Variant Classification Sherloc (09022015). Collection method: clinical testing. Allele origin: germline.

Blueprint Genetics
Classification: Benign. Last evaluated: 2024-10-11. Review status: criteria provided, single submitter. Criteria: ACMG Guidelines, 2015. Collection method: clinical testing. Allele origin: germline.

GeneDx
Classification: Likely benign. Last evaluated: 2021-04-06. Review status: criteria provided, single submitter. Criteria: GeneDx Variant Classification Process June 2021. Collection method: clinical testing. Allele origin: germline. Affected: yes.

Revvity Omics, Revvity
Classification: Uncertain significance. Last evaluated: 2020-10-16. Review status: criteria provided, single submitter. Criteria: ACMG Guidelines, 2015. Collection method: clinical testing. Allele origin: germline.

Laboratory for Molecular Medicine, Mass General Brigham Personalized Medicine
Classification: Likely benign. Last evaluated: 2017-07-27. Review status: criteria provided, single submitter. Criteria: LMM Criteria. Collection method: clinical testing. Allele origin: germline. Observed: 1 variant allele.
Comment: p.Thr676Arg in exon 9 of ESPN: This variant is not expected to have clinical sig nificance because it has been identified in 0.47% (161/34332) of Latino chromoso mes including 2 homozygotes by the genome Aggregation Database (gnomAD; dbSNP rs771737095).

PreventionGenetics, part of Exact Sciences
Classification: Likely benign for ESPN-related condition. Last evaluated: 2024-09-25. Review status: no assertion criteria provided. Collection method: clinical testing. Allele origin: germline. Not counted in ClinVar's aggregate classification.
Comment: This variant is classified as likely benign based on ACMG/AMP sequence variant interpretation guidelines (Richards et al. 2015 PMID: 25741868, with internal and published modifications).

NM_031475.3(ESPN):c.2027C>G (p.Thr676Arg)

Gene: ESPN (espin; plus strand). Cytogenetic location: 1p36.31.
Variant type: single nucleotide variant.
Coding change: c.2027C>G on transcript NM_031475.3 (MANE Select); coding-DNA position 2027, C replaced by G.
Protein change: p.Thr676Arg; replaces threonine 676 with arginine.
Molecular consequence: missense variant.
Genome position (GRCh38, 1-based): chr1:6,451,714, C>G. VCF-style: chr1-6451714-C-G. GRCh37 (hg19) VCF-style: chr1-6511774-C-G.
Other names: c.1937C>G, p.Thr646Arg (NM_001367473.1); c.1964C>G, p.Thr655Arg (NM_001367474.1); short protein forms T676R, T646R, T655R.
Identifiers: ClinVar variation 517440 (VCV000517440.19), dbSNP rs771737095, ClinGen allele CA560343.
Genomic context (GRCh38, chr1:6,451,714, plus strand): 5'-TGGCTGAGATTAAGGCAGGCAAGAGCCTGAAGCCGACGCCCCAGAGCAAGGGGCTGACCA[C>G]AGTGTTCTCAGGCATCGGGCAGCCGGCCTTCCAGGTAGGCGGGCCCAGCAGGAGCCTGCG-3'
Protein context (NP_113663.2, residues 666-686): KPTPQSKGLT[Thr676Arg]VFSGIGQPAF